The following is an entry in ClinVar:

NM_015072.5(TTLL5):c.3777G>A (p.Gln1259=)

Gene: TTLL5 (tubulin tyrosine ligase like 5; plus strand). Cytogenetic location: 14q24.3.
Variant type: single nucleotide variant.
Coding change: c.3777G>A on transcript NM_015072.5 (MANE Select); coding-DNA position 3777, G replaced by A.
Protein change: p.Gln1259=; no amino-acid change (glutamine 1259 retained).
Molecular consequence: synonymous variant.
Genome position (GRCh38, 1-based): chr14:75,902,178, G>A. VCF-style: chr14-75902178-G-A. GRCh37 (hg19) VCF-style: chr14-76368521-G-A.
Identifiers: ClinVar variation 719733 (VCV000719733.13), dbSNP rs200369228, ClinGen allele CA7280163.

ClinVar aggregate classification (germline): Benign. Review status: criteria provided, multiple submitters, no conflicts (2 of 4 stars). 3 submissions from 3 submitters: Benign (2). 1 of the submissions does not count toward it. Last evaluated 2026-01-15.

Conditions:
TTLL5-related disorder. Also called: TTLL5-related condition.

Allele frequency attached by ClinVar (database versions not stated): gnomAD 0.00001 and 0.00064; TOPMed 0.00012; gnomAD exomes 0.00251; ExAC 0.00277; 1000 Genomes Project 0.00359; 1000 Genomes Project 30x 0.00359.
gnomAD v4.1: 1,960 of 1,614,164 alleles (0.12%); highest among the groups gnomAD compares: South Asian, 2%; 31 homozygotes.

Submissions (3):

Labcorp Genetics (formerly Invitae), Labcorp
Classification: Benign. Last evaluated: 2026-01-15. Review status: criteria provided, single submitter. Criteria: Invitae Variant Classification Sherloc (09022015). Collection method: clinical testing. Allele origin: germline.

Breakthrough Genomics
Classification: Benign. Review status: criteria provided, single submitter. Criteria: ACMG Guidelines, 2015. Collection method: not provided. Allele origin: germline. Inheritance: Autosomal recessive inheritance. Affected: yes.

PreventionGenetics, part of Exact Sciences
Classification: Benign for TTLL5-related condition. Last evaluated: 2019-07-12. Review status: no assertion criteria provided. Collection method: clinical testing. Allele origin: germline. Not counted in ClinVar's aggregate classification.
Comment: This variant is classified as benign based on ACMG/AMP sequence variant interpretation guidelines (Richards et al. 2015 PMID: 25741868, with internal and published modifications).